The following is an entry in ClinVar:

ClinVar aggregate classification (germline): Uncertain significance. Review status: criteria provided, multiple submitters, no conflicts (2 of 4 stars). 2 submissions from 2 submitters: Uncertain significance (2). Last evaluated 2023-04-29.

Conditions:
Vitreoretinopathy. Also called: Vitreoretinal degeneration. Identifiers: MedGen C0344290, MONDO:0020248, HP:0007773.

Allele frequency attached by ClinVar (database versions not stated): TOPMed 0.00001; gnomAD 0.00004.

Submissions (2):

Labcorp Genetics (formerly Invitae), Labcorp
Classification: Uncertain significance. Last evaluated: 2023-04-29. Review status: criteria provided, single submitter. Criteria: Invitae Variant Classification Sherloc (09022015). Collection method: clinical testing. Allele origin: germline.
Comment: In summary, the available evidence is currently insufficient to determine the role of this variant in disease. Therefore, it has been classified as a Variant of Uncertain Significance. Algorithms developed to predict the effect of missense changes on protein structure and function output the following: SIFT: "Not Available"; PolyPhen-2: "Benign"; Align-GVGD: "Not Available". The tyrosine amino acid residue is found in multiple mammalian species, which suggests that this missense change does not adversely affect protein function. ClinVar contains an entry for this variant (Variation ID: 354431). This variant has not been reported in the literature in individuals affected with VCAN-related conditions. This variant is present in population databases (no rsID available, gnomAD 0.01%). This sequence change replaces histidine, which is basic and polar, with tyrosine, which is neutral and polar, at codon 1946 of the VCAN protein (p.His1946Tyr).

Illumina Laboratory Services, Illumina
Classification: Uncertain significance for Vitreoretinopathy. Last evaluated: 2018-01-13. Review status: criteria provided, single submitter. Criteria: ICSL Variant Classification Criteria 13 December 2019. Collection method: clinical testing. Allele origin: germline.

NM_004385.5(VCAN):c.5836C>T (p.His1946Tyr)

Genes: VCAN (versican; plus strand), VCAN-AS1 (VCAN antisense RNA 1; minus strand). Cytogenetic location: 5q14.3.
Variant type: single nucleotide variant.
Coding change: c.5836C>T on transcript NM_004385.5 (MANE Select); coding-DNA position 5836, C replaced by T.
Protein change: p.His1946Tyr; replaces histidine 1946 with tyrosine.
Molecular consequence: missense variant. On other transcripts: intron variant (2).
Genome position (GRCh38, 1-based): chr5:83,538,839, C>T. VCF-style: chr5-83538839-C-T. GRCh37 (hg19) VCF-style: chr5-82834658-C-T.
Other names: c.2875C>T, p.His959Tyr (NM_001164097.2); c.4004-6698C>T (NM_001164098.2); c.1043-6698C>T (NM_001126336.3); short protein forms H1946Y, H959Y.
Identifiers: ClinVar variation 354431 (VCV000354431.9), dbSNP rs886060825, ClinGen allele CA10625127.